The following is an entry in ClinVar:

NM_012471.3(TRPC5):c.754G>A (p.Ala252Thr)

Gene: TRPC5 (transient receptor potential cation channel subfamily C member 5; minus strand). Cytogenetic location: Xq23.
Variant type: single nucleotide variant.
Coding change: c.754G>A on transcript NM_012471.3 (MANE Select); coding-DNA position 754, G replaced by A.
Protein change: p.Ala252Thr; replaces alanine 252 with threonine.
Molecular consequence: missense variant.
Genome position (GRCh38, 1-based): chrX:111,912,437, C>T on the plus strand (G>A on the coding strand, the complement: TRPC5 is on the minus strand). VCF-style: chrX-111912437-C-T. GRCh37 (hg19) VCF-style: chrX-111155665-C-T.
Other names: short protein forms A252T.
Identifiers: ClinVar variation 4995818 (VCV004995818.1).

ClinVar aggregate classification (germline): Uncertain significance (1 of 4 stars; one submission).

Conditions:
TRPC5-related disorder. Also called: TRPC5-related condition.

Submission:

PreventionGenetics, part of Exact Sciences
Classification: Uncertain significance for TRPC5-related condition. Last evaluated: 2025-11-14. Review status: criteria provided, single submitter. Criteria: ACMG Guidelines, 2015. Collection method: clinical testing. Allele origin: germline.
Comment: The TRPC5 c.754G>A variant is predicted to result in the amino acid substitution p.Ala252Thr. To our knowledge, this variant has not been reported in the literature or in a large population database (gnomAD), indicating this variant is rare. At this time, the clinical significance of this variant is uncertain due to the absence of conclusive functional and genetic evidence.